The following is an entry in ClinVar:

ClinVar aggregate classification (germline): Uncertain significance. Review status: criteria provided, multiple submitters, no conflicts (2 of 4 stars). 3 submissions from 3 submitters: Uncertain significance (3). Last evaluated 2025-06-12.

Conditions:
RAPH BLOOD GROUP SYSTEM. Also called: MER2 BLOOD CELL ANTIGEN EXPRESSION. Identifiers: MedGen C1867341, OMIM 179620.
Epidermolysis bullosa simplex 7, with nephropathy and deafness. Also called: Nephropathy with Pretibial Epidermolysis Bullosa and Deafness; Nephrotic syndrome - deafness - pretibial epidermolysis bullosa syndrome. Identifiers: Orphanet 300333, MedGen C1836823, MONDO:0012190, OMIM 609057.
Inborn genetic diseases. Identifiers: MedGen C0950123, MeSH D030342.

Allele frequency attached by ClinVar (database versions not stated): gnomAD 0.00001; TOPMed 0.00002; gnomAD exomes below 0.00001; ExAC 0.00001.
gnomAD v4.1: 6 of 1,613,136 alleles (0.00037%); highest among the groups gnomAD compares: Admixed American, 0.0017%; no homozygotes.

Submissions (3):

Labcorp Genetics (formerly Invitae), Labcorp
Classification: Uncertain significance. Last evaluated: 2025-06-12. Review status: criteria provided, single submitter. Criteria: Invitae Variant Classification Sherloc (09022015). Collection method: clinical testing. Allele origin: germline.
Comment: This sequence change replaces tyrosine, which is neutral and polar, with histidine, which is basic and polar, at codon 245 of the CD151 protein (p.Tyr245His). This variant is present in population databases (no rsID available, gnomAD 0.003%). This variant has not been reported in the literature in individuals affected with CD151-related conditions. ClinVar contains an entry for this variant (Variation ID: 1901915). An algorithm developed to predict the effect of missense changes on protein structure and function (PolyPhen-2) suggests that this variant is likely to be tolerated. In summary, the available evidence is currently insufficient to determine the role of this variant in disease. Therefore, it has been classified as a Variant of Uncertain Significance.

Fulgent Genetics
Classification: Uncertain significance for RAPH BLOOD GROUP SYSTEM; Epidermolysis bullosa simplex 7, with nephropathy and deafness. Last evaluated: 2024-01-31. Review status: criteria provided, single submitter. Criteria: ACMG Guidelines, 2015. Collection method: clinical testing. Allele origin: germline.

Ambry Genetics
Classification: Uncertain significance for Inborn genetic diseases. Last evaluated: 2023-12-13. Review status: criteria provided, single submitter. Criteria: Ambry Variant Classification Scheme 2023. Collection method: clinical testing. Allele origin: germline.

NM_004357.5(CD151):c.733T>C (p.Tyr245His)

Gene: CD151 (CD151 molecule (Raph blood group); plus strand). Cytogenetic location: 11p15.5.
Variant type: single nucleotide variant.
Coding change: c.733T>C on transcript NM_004357.5 (MANE Select); coding-DNA position 733, T replaced by C.
Protein change: p.Tyr245His; replaces tyrosine 245 with histidine.
Molecular consequence: missense variant.
Genome position (GRCh38, 1-based): chr11:838,163, T>C. VCF-style: chr11-838163-T-C. GRCh37 (hg19) VCF-style: chr11-838163-T-C.
Other names: c.733T>C, p.Tyr245His (NM_001039490.2, NM_139029.2, NM_139030.4); short protein forms Y245H.
Identifiers: ClinVar variation 1901915 (VCV001901915.7), dbSNP rs887154171, ClinGen allele CA5792368.